The following is an entry in ClinVar:

ClinVar aggregate classification (germline): Uncertain significance (1 of 4 stars; one submission).

Conditions:
Joubert syndrome 21 (JBTS21). Identifiers: MedGen C3810212, MONDO:0014288, OMIM 615636.

gnomAD v4.1: 3 of 1,610,422 alleles (0.00019%); highest among the groups gnomAD compares: Non-Finnish European, 0.00025%; no homozygotes.

Submission:

Labcorp Genetics (formerly Invitae), Labcorp
Classification: Uncertain significance for Joubert syndrome 21. Last evaluated: 2025-09-02. Review status: criteria provided, single submitter. Criteria: Invitae Variant Classification Sherloc (09022015). Collection method: clinical testing. Allele origin: germline.
Comment: This sequence change replaces glutamine, which is neutral and polar, with arginine, which is basic and polar, at codon 382 of the CSPP1 protein (p.Gln382Arg). This variant is present in population databases (no rsID available, gnomAD 0.007%). This variant has not been reported in the literature in individuals affected with CSPP1-related conditions. An algorithm developed to predict the effect of missense changes on protein structure and function outputs the following: PolyPhen-2: "Benign". The arginine amino acid residue is found in multiple mammalian species, which suggests that this missense change does not adversely affect protein function. In summary, the available evidence is currently insufficient to determine the role of this variant in disease. Therefore, it has been classified as a Variant of Uncertain Significance.

NM_001382391.1(CSPP1):c.1118A>G (p.Gln373Arg)

Gene: CSPP1 (centrosome and spindle pole associated protein 1; plus strand). Cytogenetic location: 8q13.2.
Variant type: single nucleotide variant.
Coding change: c.1118A>G on transcript NM_001382391.1 (MANE Select); coding-DNA position 1118, A replaced by G.
Protein change: p.Gln373Arg; replaces glutamine 373 with arginine.
Molecular consequence: missense variant. On other transcripts: intron variant (1).
Genome position (GRCh38, 1-based): chr8:67,111,996, A>G. VCF-style: chr8-67111996-A-G. GRCh37 (hg19) VCF-style: chr8-68024231-A-G.
Other names: c.263A>G, p.Gln88Arg (NM_001291339.2); c.1037A>G, p.Gln346Arg (NM_001363131.2, NM_001363133.2); c.1118A>G, p.Gln373Arg (NM_001363132.2); c.1226A>G, p.Gln409Arg (NM_001364869.1); c.1046A>G, p.Gln349Arg (NM_001364870.1); c.1145A>G, p.Gln382Arg (NM_001438330.1, NM_001438331.1, NM_024790.7); c.951-6252A>G (NM_001438332.1); short protein forms Q346R, Q349R, Q382R, Q409R, Q88R, Q373R.
Identifiers: ClinVar variation 4694948 (VCV004694948.1).